The following is an entry in ClinVar:

ClinVar aggregate classification (germline): Uncertain significance (1 of 4 stars; one submission).

Allele frequency attached by ClinVar (database versions not stated): ExAC 0.00003; gnomAD exomes 0.00003; ESP Exome Variant Server 0.00008; TOPMed 0.00010; gnomAD 0.00011.
gnomAD v4.1: 54 of 1,609,014 alleles (0.0034%); highest among the groups gnomAD compares: Admixed American, 0.027%; no homozygotes.

Submission:

Labcorp Genetics (formerly Invitae), Labcorp
Classification: Uncertain significance. Last evaluated: 2023-09-04. Review status: criteria provided, single submitter. Criteria: Invitae Variant Classification Sherloc (09022015). Collection method: clinical testing. Allele origin: germline.
Comment: This sequence change replaces arginine, which is basic and polar, with tryptophan, which is neutral and slightly polar, at codon 2654 of the CELSR2 protein (p.Arg2654Trp). This variant is present in population databases (rs375735096, gnomAD 0.005%). This variant has not been reported in the literature in individuals affected with CELSR2-related conditions. Advanced modeling of protein sequence and biophysical properties (such as structural, functional, and spatial information, amino acid conservation, physicochemical variation, residue mobility, and thermodynamic stability) performed at Invitae indicates that this missense variant is not expected to disrupt CELSR2 protein function. In summary, the available evidence is currently insufficient to determine the role of this variant in disease. Therefore, it has been classified as a Variant of Uncertain Significance.

NM_001408.3(CELSR2):c.7960C>T (p.Arg2654Trp)

Gene: CELSR2 (cadherin EGF LAG seven-pass G-type receptor 2; plus strand). Cytogenetic location: 1p13.3.
Variant type: single nucleotide variant.
Coding change: c.7960C>T on transcript NM_001408.3 (MANE Select); coding-DNA position 7960, C replaced by T.
Protein change: p.Arg2654Trp; replaces arginine 2654 with tryptophan.
Molecular consequence: missense variant.
Genome position (GRCh38, 1-based): chr1:109,272,311, C>T. VCF-style: chr1-109272311-C-T. GRCh37 (hg19) VCF-style: chr1-109814933-C-T.
Other names: short protein forms R2654W.
Identifiers: ClinVar variation 3015418 (VCV003015418.3), dbSNP rs375735096, ClinGen allele CA988418.